The following is an entry in ClinVar:

NM_014361.4(CNTN5):c.1794T>C (p.Asp598=)

Gene: CNTN5 (contactin 5; plus strand). Cytogenetic location: 11q22.1.
Variant type: single nucleotide variant.
Coding change: c.1794T>C on transcript NM_014361.4 (MANE Select); coding-DNA position 1794, T replaced by C.
Protein change: p.Asp598=; no amino-acid change (aspartic acid 598 retained).
Molecular consequence: synonymous variant.
Genome position (GRCh38, 1-based): chr11:100,193,573, T>C. VCF-style: chr11-100193573-T-C. GRCh37 (hg19) VCF-style: chr11-100064305-T-C.
Other names: c.1794T>C, p.Asp598= (NM_001243270.2, NM_001243271.2); c.1572T>C, p.Asp524= (NM_175566.2).
Identifiers: ClinVar variation 2642311 (VCV002642311.24), dbSNP rs201747412, ClinGen allele CA6242556.
Genomic context (GRCh38, chr11:100,193,573, plus strand): 5'-TAAAAGAACAGAATTGACAGTGGGAGAAAGCATTGTCCTTAATTGCAAAGCAATTCACGA[T>C]GCTAGTTTGGATGTCACTTTCTACTGGACTCTGAAAGGACAGCCTATTGATTTCGAGGAA-3'
Protein context (NP_055176.1, residues 588-608): SIVLNCKAIH[Asp598=]ASLDVTFYWT

ClinVar aggregate classification (germline): Likely benign (1 of 4 stars; one submission).

Allele frequency attached by ClinVar (database versions not stated): 1000 Genomes Project 30x 0.00031; 1000 Genomes Project 0.00040; TOPMed 0.00086; gnomAD 0.00100; gnomAD exomes 0.00132; ESP Exome Variant Server 0.00134; ExAC 0.00143.
gnomAD v4.1: 2,044 of 1,611,820 alleles (0.13%); highest among the groups gnomAD compares: Non-Finnish European, 0.16%; 4 homozygotes.

Submission:

CeGaT Center for Human Genetics Tuebingen
Classification: Likely benign. Last evaluated: 2022-12-01. Review status: criteria provided, single submitter. Criteria: CeGaT Center For Human Genetics Tuebingen Variant Classification Criteria Version 2. Collection method: clinical testing. Allele origin: germline. Affected: yes. Observed: 1 variant allele.
Comment: CNTN5: BP4, BP7